The following is an entry in ClinVar:

NM_001244008.2(KIF1A):c.843C>A (p.Val281=)

Gene: KIF1A (kinesin family member 1A; minus strand). Cytogenetic location: 2q37.3.
Variant type: single nucleotide variant.
Coding change: c.843C>A on transcript NM_001244008.2 (MANE Select); coding-DNA position 843, C replaced by A.
Protein change: p.Val281=; no amino-acid change (valine 281 retained).
Molecular consequence: synonymous variant.
Genome position (GRCh38, 1-based): chr2:240,783,065, G>T on the plus strand (C>A on the coding strand, the complement: KIF1A is on the minus strand). VCF-style: chr2-240783065-G-T. GRCh37 (hg19) VCF-style: chr2-241722482-G-T.
Other names: c.843C>A, p.Val281= (NM_001320705.2, NM_001330289.2, NM_001330290.2 and 20 more transcripts).
Identifiers: ClinVar variation 1113758 (VCV001113758.14), dbSNP rs367790793, ClinGen allele CA2208639.

ClinVar aggregate classification (germline): Conflicting classifications of pathogenicity. Review status: criteria provided, conflicting classifications (1 of 4 stars). 3 submissions from 3 submitters: Uncertain significance (1); Likely benign (2). Last evaluated 2025-06-24.

Conditions:
Inborn genetic diseases. Identifiers: MedGen C0950123, MeSH D030342.
Neuropathy, hereditary sensory, type 2C. Also called: KIF1A-Related HSAN2 (HSAN2C); Hereditary sensory and autonomic neuropathy type IIC. Identifiers: Orphanet 970, MedGen C3280168, MONDO:0013634, OMIM 614213.
Intellectual disability, autosomal dominant 9 (NESCAVS). Also called: NESCAV SYNDROME; KIF1A-Related Neurodevelopmental Disorder. Identifiers: Orphanet 662367, MedGen C5393830, MONDO:0013656, OMIM 614255.
Hereditary spastic paraplegia 30. Identifiers: Orphanet 101010, MedGen C5235139, MONDO:0012476.

Allele frequency attached by ClinVar (database versions not stated): gnomAD exomes 0.00001; ExAC 0.00002; ESP Exome Variant Server 0.00008.

Submissions (3):

Labcorp Genetics (formerly Invitae), Labcorp
Classification: Likely benign for Hereditary spastic paraplegia 30; Neuropathy, hereditary sensory, type 2C; Intellectual disability, autosomal dominant 9. Last evaluated: 2025-06-24. Review status: criteria provided, single submitter. Criteria: Invitae Variant Classification Sherloc (09022015). Collection method: clinical testing. Allele origin: germline.

GeneDx
Classification: Uncertain significance. Last evaluated: 2023-09-28. Review status: criteria provided, single submitter. Criteria: GeneDx Variant Classification Process June 2021. Collection method: clinical testing. Allele origin: germline. Affected: yes.
Comment: Not observed at a significant frequency in large population cohorts (gnomAD); In silico analysis supports a deleterious effect on splicing; Has not been previously published as pathogenic or benign to our knowledge

Ambry Genetics
Classification: Likely benign for Inborn genetic diseases. Last evaluated: 2019-03-02. Review status: criteria provided, single submitter. Criteria: Ambry Variant Classification Scheme 2023. Collection method: clinical testing. Allele origin: germline.